The following is an entry in ClinVar:

NM_003738.5(PTCH2):c.104G>C (p.Trp35Ser)

Gene: PTCH2 (patched 2; minus strand). Cytogenetic location: 1p34.1.
Variant type: single nucleotide variant.
Coding change: c.104G>C on transcript NM_003738.5 (MANE Select); coding-DNA position 104, G replaced by C.
Protein change: p.Trp35Ser; replaces tryptophan 35 with serine.
Molecular consequence: missense variant.
Genome position (GRCh38, 1-based): chr1:44,842,008, C>G on the plus strand (G>C on the coding strand, the complement: PTCH2 is on the minus strand). VCF-style: chr1-44842008-C-G. GRCh37 (hg19) VCF-style: chr1-45307680-C-G.
Other names: c.104G>C, p.Trp35Ser (NM_001166292.2); short protein forms W35S.
Identifiers: ClinVar variation 2187142 (VCV002187142.4), dbSNP rs936486285, ClinGen allele CA21759643.

ClinVar aggregate classification (germline): Uncertain significance (1 of 4 stars; one submission).

Conditions:
Gorlin syndrome. Also called: Nevoid Basal Cell Carcinoma Syndrome; Basal cell nevus syndrome. Identifiers: Orphanet 377, MedGen C0004779, MONDO:0007187.

Allele frequency attached by ClinVar (database versions not stated): gnomAD exomes 0.00001.
gnomAD v4.1: 7 of 1,614,022 alleles (0.00043%); highest among the groups gnomAD compares: Non-Finnish European, 0.00059%; no homozygotes.

Submission:

Labcorp Genetics (formerly Invitae), Labcorp
Classification: Uncertain significance for Gorlin syndrome. Last evaluated: 2021-12-31. Review status: criteria provided, single submitter. Criteria: Invitae Variant Classification Sherloc (09022015). Collection method: clinical testing. Allele origin: germline.
Comment: This sequence change replaces tryptophan, which is neutral and slightly polar, with serine, which is neutral and polar, at codon 35 of the PTCH2 protein (p.Trp35Ser). This variant is present in population databases (no rsID available, gnomAD 0.002%). This variant has not been reported in the literature in individuals affected with PTCH2-related conditions. Algorithms developed to predict the effect of missense changes on protein structure and function are either unavailable or do not agree on the potential impact of this missense change (SIFT: "Tolerated"; PolyPhen-2: "Probably Damaging"; Align-GVGD: "Class C0"). In summary, the available evidence is currently insufficient to determine the role of this variant in disease. Therefore, it has been classified as a Variant of Uncertain Significance.